The following is an entry in ClinVar:

NM_182914.3(SYNE2):c.14485T>C (p.Cys4829Arg)

Gene: SYNE2 (spectrin repeat containing nuclear envelope protein 2; plus strand). Cytogenetic location: 14q23.2.
Variant type: single nucleotide variant.
Coding change: c.14485T>C on transcript NM_182914.3 (MANE Select); coding-DNA position 14485, T replaced by C.
Protein change: p.Cys4829Arg; replaces cysteine 4829 with arginine.
Molecular consequence: missense variant.
Genome position (GRCh38, 1-based): chr14:64,132,409, T>C. VCF-style: chr14-64132409-T-C. GRCh37 (hg19) VCF-style: chr14-64599127-T-C.
Other names: c.14485T>C, p.Cys4829Arg (NM_015180.6); short protein forms C4829R.
Identifiers: ClinVar variation 4697126 (VCV004697126.1).

ClinVar aggregate classification (germline): Uncertain significance (1 of 4 stars; one submission).

Conditions:
Emery-Dreifuss muscular dystrophy 5, autosomal dominant (EDMD5). Also called: EMERY-DREIFUSS MUSCULAR DYSTROPHY 5. Identifiers: Orphanet 261, MedGen C2751805, MONDO:0013072, OMIM 612999.

gnomAD v4.1: 7 of 1,614,036 alleles (0.00043%); highest among the groups gnomAD compares: South Asian, 0.0033%; no homozygotes.

Submission:

Labcorp Genetics (formerly Invitae), Labcorp
Classification: Uncertain significance for Emery-Dreifuss muscular dystrophy 5, autosomal dominant. Last evaluated: 2025-03-11. Review status: criteria provided, single submitter. Criteria: Invitae Variant Classification Sherloc (09022015). Collection method: clinical testing. Allele origin: germline.
Comment: This sequence change replaces cysteine, which is neutral and slightly polar, with arginine, which is basic and polar, at codon 4829 of the SYNE2 protein (p.Cys4829Arg). This variant is present in population databases (no rsID available, gnomAD 0.003%). This variant has not been reported in the literature in individuals affected with SYNE2-related conditions. An algorithm developed to predict the effect of missense changes on protein structure and function outputs the following: PolyPhen-2: "Benign". The arginine amino acid residue is found in multiple mammalian species, which suggests that this missense change does not adversely affect protein function. In summary, the available evidence is currently insufficient to determine the role of this variant in disease. Therefore, it has been classified as a Variant of Uncertain Significance.